The following is an entry in ClinVar:

NM_006904.7(PRKDC):c.3071C>T (p.Thr1024Ile)

Gene: PRKDC (protein kinase, DNA-activated, catalytic subunit; minus strand). Cytogenetic location: 8q11.21.
Variant type: single nucleotide variant.
Coding change: c.3071C>T on transcript NM_006904.7 (MANE Select); coding-DNA position 3071, C replaced by T.
Protein change: p.Thr1024Ile; replaces threonine 1024 with isoleucine.
Molecular consequence: missense variant.
Genome position (GRCh38, 1-based): chr8:47,902,767, G>A on the plus strand (C>T on the coding strand, the complement: PRKDC is on the minus strand). VCF-style: chr8-47902767-G-A. GRCh37 (hg19) VCF-style: chr8-48815327-G-A.
Other names: c.3071C>T, p.Thr1024Ile (NM_001081640.2); short protein forms T1024I.
Identifiers: ClinVar variation 1799504 (VCV001799504.2), dbSNP rs375650488, ClinGen allele CA371157102.

ClinVar aggregate classification (germline): Uncertain significance (1 of 4 stars; one submission).

Allele frequency attached by ClinVar (database versions not stated): gnomAD exomes 0.00001.
gnomAD v4.1: 7 of 1,613,032 alleles (0.00043%); highest among the groups gnomAD compares: Non-Finnish European, 0.00059%; no homozygotes.

Submission:

Ambry Genetics
Classification: Uncertain significance. Last evaluated: 2022-05-12. Review status: criteria provided, single submitter. Criteria: Ambry Variant Classification Scheme 2023. Collection method: clinical testing. Allele origin: germline.
Comment: The p.T1024I variant (also known as c.3071C>T), located in coding exon 27 of the PRKDC gene, results from a C to T substitution at nucleotide position 3071. The threonine at codon 1024 is replaced by isoleucine, an amino acid with similar properties. This amino acid position is conserved. In addition, this alteration is predicted to be deleterious by in silico analysis. Since supporting evidence is limited at this time, the clinical significance of this alteration remains unclear.